The following is an entry in ClinVar:

ClinVar aggregate classification (germline): Pathogenic. Review status: criteria provided, multiple submitters, no conflicts (2 of 4 stars). 2 submissions from 2 submitters: Pathogenic (2). Last evaluated 2024-03-05.

Conditions:
Familial adenomatous polyposis 1 (FAP1). Also called: FAMILIAL ADENOMATOUS POLYPOSIS 1, ATTENUATED; POLYPOSIS, ADENOMATOUS INTESTINAL. Identifiers: MedGen C2713442, MONDO:0021056, OMIM 175100. Disease mechanism: loss of function.
Hereditary cancer-predisposing syndrome. Also called: Hereditary neoplastic syndrome; Tumor predisposition; Hereditary Cancer Syndrome; Neoplastic Syndromes, Hereditary. Identifiers: Orphanet 140162, MedGen C0027672, MeSH D009386, MONDO:0015356.

Submissions (2):

Ambry Genetics
Classification: Pathogenic for Hereditary cancer-predisposing syndrome. Last evaluated: 2024-03-05. Review status: criteria provided, single submitter. Criteria: Ambry Variant Classification Scheme 2023. Collection method: clinical testing. Allele origin: germline.
Comment: The c.2944delT pathogenic mutation, located in coding exon 15 of the APC gene, results from a deletion of one nucleotide at nucleotide position 2944, causing a translational frameshift with a predicted alternate stop codon (p.S982Rfs*23). This alteration occurs at the 3' terminus of theAPC gene, is not expected to trigger nonsense-mediated mRNA decay, and only impacts the last 65.5% of the protein. However, premature stop codons are typically deleterious in nature and the impacted region is critical for protein function (Ambry internal data). This variant has been observed in at least one individual with a personal and/or family history that is consistent with APC-associated polyposis conditions (Ambry internal data). This variant is considered to be rare based on population cohorts in the Genome Aggregation Database (gnomAD). Based on the supporting evidence, this alteration is interpreted as a disease-causing mutation.

Myriad Genetics, Inc.
Classification: Pathogenic for Familial adenomatous polyposis 1. Last evaluated: 2023-05-05. Review status: criteria provided, single submitter. Criteria: Myriad Autosomal Dominant, Autosomal Recessive and X-Linked Classification Criteria (2023). Collection method: clinical testing. Allele origin: unknown.
Comment: This variant is considered pathogenic. This variant creates a frameshift predicted to result in premature protein truncation.

NM_000038.6(APC):c.2944del (p.Ser982fs)

Gene: APC (APC regulator of Wnt signaling pathway; plus strand). Cytogenetic location: 5q22.2.
Variant type: Deletion.
Coding change: c.2944del on transcript NM_000038.6 (MANE Select); coding-DNA position 2944, one base deleted (T; older notation c.2944delT).
Protein change: p.Ser982fs; shifts the reading frame from serine 982.
Molecular consequence: frameshift variant. On other transcripts: non-coding transcript variant (2).
Genome position (GRCh38, 1-based): chr5:112,838,538, T deleted. VCF-style (leftmost placement, unchanged base first): chr5-112838537-CT-C. GRCh37 (hg19) VCF-style: chr5-112174234-CT-C.
Other names: c.2944delT (NM_000038.5); c.2944del, p.Ser982fs (NM_001127510.3, NM_001354895.2, NM_001407450.1); c.2890del, p.Ser964fs (NM_001127511.3); c.2998del, p.Ser1000fs (NM_001354896.2, NM_001407447.1, NM_001407448.1 and 1 more transcripts); c.2974del, p.Ser992fs (NM_001354897.2); c.2869del, p.Ser957fs (NM_001354898.2); c.2860del, p.Ser954fs (NM_001354899.2); c.2821del, p.Ser941fs (NM_001354900.2); and 12 more; short protein forms S1000fs, S1010fs, S598fs, S699fs, S822fs, S853fs, S856fs, S881fs.
Identifiers: ClinVar variation 2584072 (VCV002584072.3), dbSNP rs2533460980, ClinGen allele CA2582341463.
Genomic context (GRCh38, chr5:112,838,537, plus strand): 5'-TGATAGTTTAAATAGTGTCAGTAGTAGTGATGGTTATGGTAAAAGAGGTCAAATGAAACC[CT>C]CGATTGAATCCTATTCTGAAGATGATGAAAGTAAGTTTTGCAGTTATGGTCAATACCCAG-3'